The following is an entry in ClinVar:

NM_015271.5(TRIM2):c.2022+6A>G

Gene: TRIM2 (tripartite motif containing 2; plus strand). Cytogenetic location: 4q31.3.
Variant type: single nucleotide variant.
Coding change: c.2022+6A>G on transcript NM_015271.5 (MANE Select); 6 bases into the intron after coding-DNA position 2022, A replaced by G.
Molecular consequence: intron variant.
Genome position (GRCh38, 1-based): chr4:153,324,154, A>G. VCF-style: chr4-153324154-A-G. GRCh37 (hg19) VCF-style: chr4-154245306-A-G.
Other names: c.1941+6A>G (NM_001375517.1, NM_001375514.1, NM_001375513.1 and 4 more transcripts); c.1953+6A>G (NM_001351056.2); c.2007+6A>G (NM_001351054.2); c.2004+6A>G (NM_001351055.2); c.1683+6A>G (NM_001375525.1, NM_001375523.1, NM_001375522.1); c.1566+6A>G (NM_001351057.2); c.2115+6A>G (NM_001375488.1); c.1965+6A>G (NM_001375490.1); and 4 more.
Identifiers: ClinVar variation 2876149 (VCV002876149.3), dbSNP rs2546669675, ClinGen allele CA2672402653.
Genomic context (GRCh38, chr4:153,324,154, plus strand): 5'-TGTAAATAGCAATAATGAGATTATTATTACAGATTTCCATAATCATTCTGTCAAGGTACT[A>G]CAAGCACATGAGTTGTTGTTAACTTTTAACTGCTTTTATGGAGAAATTGGTCTGCGAGAA-3'

ClinVar aggregate classification (germline): Uncertain significance (1 of 4 stars; one submission).

Conditions:
Charcot-Marie-Tooth disease type 2R. Also called: Charcot-Marie-Tooth disease, axonal, type 2R; CHARCOT-MARIE-TOOTH DISEASE, AXONAL, AUTOSOMAL RECESSIVE, TYPE 2R; CHARCOT-MARIE-TOOTH NEUROPATHY, TYPE 2R. Identifiers: Orphanet 397968, MedGen C3809655, MONDO:0014208, OMIM 615490.

Allele frequency attached by ClinVar (database versions not stated): gnomAD exomes below 0.00001.
gnomAD v4.1: 1 of 1,609,380 alleles (0.000062%); highest among the groups gnomAD compares: Non-Finnish European, 0.000085%; no homozygotes.

Submission:

Labcorp Genetics (formerly Invitae), Labcorp
Classification: Uncertain significance for Charcot-Marie-Tooth disease type 2R. Last evaluated: 2023-01-08. Review status: criteria provided, single submitter. Criteria: Invitae Variant Classification Sherloc (09022015). Collection method: clinical testing. Allele origin: germline.
Comment: This variant is not present in population databases (gnomAD no frequency). This sequence change falls in intron 10 of the TRIM2 gene. It does not directly change the encoded amino acid sequence of the TRIM2 protein. It affects a nucleotide within the consensus splice site. This variant has not been reported in the literature in individuals affected with TRIM2-related conditions. Variants that disrupt the consensus splice site are a relatively common cause of aberrant splicing (PMID: 17576681, 9536098). Algorithms developed to predict the effect of sequence changes on RNA splicing suggest that this variant is not likely to affect RNA splicing. In summary, the available evidence is currently insufficient to determine the role of this variant in disease. Therefore, it has been classified as a Variant of Uncertain Significance.

Literature cited by the submitters: PubMed 17576681; PubMed 9536098.